The following is an entry in ClinVar:

ClinVar aggregate classification (germline): Uncertain significance. Review status: criteria provided, multiple submitters, no conflicts (2 of 4 stars). 2 submissions from 2 submitters: Uncertain significance (2). Last evaluated 2025-06-17.

Conditions:
NCOA1-related disorder. Also called: NCOA1-related condition.

Submissions (2):

PreventionGenetics, part of Exact Sciences
Classification: Uncertain significance for NCOA1-related condition. Last evaluated: 2025-06-17. Review status: criteria provided, single submitter. Criteria: ACMG Guidelines, 2015. Collection method: clinical testing. Allele origin: germline.
Comment: The NCOA1 c.223G>A variant is predicted to result in the amino acid substitution p.Asp75Asn. To our knowledge, this variant has not been reported in the literature or in a large population database, indicating this variant is rare. At this time, the clinical significance of this variant is uncertain due to the absence of conclusive functional and genetic evidence.

Ambry Genetics
Classification: Uncertain significance. Last evaluated: 2023-09-14. Review status: criteria provided, single submitter. Criteria: Ambry Variant Classification Scheme 2023. Collection method: clinical testing. Allele origin: germline.

NM_003743.5(NCOA1):c.223G>A (p.Asp75Asn)

Gene: NCOA1 (nuclear receptor coactivator 1; plus strand). Cytogenetic location: 2p23.3.
Variant type: single nucleotide variant.
Coding change: c.223G>A on transcript NM_003743.5 (MANE Select); coding-DNA position 223, G replaced by A.
Protein change: p.Asp75Asn; replaces aspartic acid 75 with asparagine.
Molecular consequence: missense variant.
Genome position (GRCh38, 1-based): chr2:24,665,882, G>A. VCF-style: chr2-24665882-G-A. GRCh37 (hg19) VCF-style: chr2-24888751-G-A.
Other names: c.223G>A, p.Asp75Asn (NM_001362950.1, NM_001362952.1, NM_001362954.1 and 3 more transcripts); short protein forms D75N.
Identifiers: ClinVar variation 2623854 (VCV002623854.3), dbSNP rs2465597314, ClinGen allele CA346045953.